The following is an entry in ClinVar:

NM_000081.4(LYST):c.10822A>G (p.Thr3608Ala)

Gene: LYST (lysosomal trafficking regulator; minus strand). Cytogenetic location: 1q42.3.
Variant type: single nucleotide variant.
Coding change: c.10822A>G on transcript NM_000081.4 (MANE Select); coding-DNA position 10822, A replaced by G.
Protein change: p.Thr3608Ala; replaces threonine 3608 with alanine.
Molecular consequence: missense variant.
Genome position (GRCh38, 1-based): chr1:235,677,598, T>C on the plus strand (A>G on the coding strand, the complement: LYST is on the minus strand). VCF-style: chr1-235677598-T-C. GRCh37 (hg19) VCF-style: chr1-235840898-T-C.
Other names: c.10822A>G (NM_000081.2); c.10822A>G, p.Thr3608Ala (NM_001301365.1); short protein forms T3608A.
Identifiers: ClinVar variation 838305 (VCV000838305.5), dbSNP rs150030873, ClinGen allele CA1465278.
Genomic context (GRCh38, chr1:235,677,598, plus strand): 5'-ATGGTTTGCAAACAAATAAGCTGGTTATCTCTTCTGTGTGACCATAGAGATGTATTTGAG[T>C]CTCCATTTCTATTTCTGATGGCTGAAATTTTAAAATTAAGTATGAGATAAAAACCACAAC-3'
Protein context (NP_000072.2, residues 3598-3618): SSTPSEIEME[Thr3608Ala]QIHLYGHTEE

ClinVar aggregate classification (germline): Uncertain significance. Review status: criteria provided, multiple submitters, no conflicts (2 of 4 stars). 2 submissions from 2 submitters: Uncertain significance (2). Last evaluated 2023-06-12.

Conditions:
Chédiak-Higashi syndrome (CHS). Also called: Chediak-Higashi Syndrome. Identifiers: Orphanet 167, MedGen C0007965, MONDO:0008963, OMIM 214500.
Inborn genetic diseases. Identifiers: MedGen C0950123, MeSH D030342.

Allele frequency attached by ClinVar (database versions not stated): TOPMed 0.00007; ExAC 0.00008; ESP Exome Variant Server 0.00008; gnomAD 0.00011; gnomAD exomes 0.00013.
gnomAD v4.1: 198 of 1,612,638 alleles (0.012%); highest among the groups gnomAD compares: Non-Finnish European, 0.016%; no homozygotes.

Submissions (2):

Ambry Genetics
Classification: Uncertain significance for Inborn genetic diseases. Last evaluated: 2023-06-12. Review status: criteria provided, single submitter. Criteria: Ambry Variant Classification Scheme 2023. Collection method: clinical testing. Allele origin: germline.

Labcorp Genetics (formerly Invitae), Labcorp
Classification: Uncertain significance for Chédiak-Higashi syndrome. Last evaluated: 2022-07-14. Review status: criteria provided, single submitter. Criteria: Invitae Variant Classification Sherloc (09022015). Collection method: clinical testing. Allele origin: germline.
Comment: This sequence change replaces threonine, which is neutral and polar, with alanine, which is neutral and non-polar, at codon 3608 of the LYST protein (p.Thr3608Ala). This variant is present in population databases (rs150030873, gnomAD 0.01%). This variant has not been reported in the literature in individuals affected with LYST-related conditions. ClinVar contains an entry for this variant (Variation ID: 838305). Algorithms developed to predict the effect of missense changes on protein structure and function (SIFT, PolyPhen-2, Align-GVGD) all suggest that this variant is likely to be tolerated. In summary, the available evidence is currently insufficient to determine the role of this variant in disease. Therefore, it has been classified as a Variant of Uncertain Significance.